The following is an entry in ClinVar:

NM_000528.4(MAN2B1):c.105_106del (p.Cys36fs)

Gene: MAN2B1 (mannosidase alpha class 2B member 1; minus strand). Cytogenetic location: 19p13.13.
Variant type: Microsatellite.
Coding change: c.105_106del on transcript NM_000528.4 (MANE Select); coding-DNA positions 105 to 106, 2 bases deleted (CT; older notation c.105_106delCT).
Protein change: p.Cys36fs; shifts the reading frame from cysteine 36.
Molecular consequence: frameshift variant.
Genome position (GRCh38, 1-based): chr19:12,666,596-12,666,597, AG deleted on the plus strand (CT on the coding strand, the reverse complement: MAN2B1 is on the minus strand); deleting any 2 consecutive bases within chr19:12,666,596-12,666,601 gives the same sequence; the c. name uses the placement nearest the transcript's 3' end. VCF-style (leftmost placement, unchanged base first): chr19-12666595-CAG-C. GRCh37 (hg19) VCF-style: chr19-12777409-CAG-C.
Other names: c.105_106del, p.Cys36fs (NM_001173498.2); short protein forms C36fs.
Identifiers: ClinVar variation 1072384 (VCV001072384.10), dbSNP rs2024251717, ClinGen allele CA2576635347.

ClinVar aggregate classification (germline): Pathogenic/Likely pathogenic. Review status: criteria provided, multiple submitters, no conflicts (2 of 4 stars). 2 submissions from 2 submitters: Pathogenic (1); Likely pathogenic (1). Last evaluated 2024-05-06.

Conditions:
Deficiency of alpha-mannosidase (MANSA). Also called: LYSOSOMAL ALPHA-D-MANNOSIDASE DEFICIENCY; Alpha-Mannosidosis; Mannosidosis, alpha-, types I and II. Identifiers: Orphanet 61, MedGen C0024748, MONDO:0009561, OMIM 248500.

Submissions (2):

Fulgent Genetics
Classification: Likely pathogenic for Deficiency of alpha-mannosidase. Last evaluated: 2024-05-06. Review status: criteria provided, single submitter. Criteria: ACMG Guidelines, 2015. Collection method: clinical testing. Allele origin: germline.

Labcorp Genetics (formerly Invitae), Labcorp
Classification: Pathogenic for Deficiency of alpha-mannosidase. Last evaluated: 2023-07-20. Review status: criteria provided, single submitter. Criteria: Invitae Variant Classification Sherloc (09022015). Collection method: clinical testing. Allele origin: germline.
Comment: This sequence change creates a premature translational stop signal (p.Cys36Leufs*37) in the MAN2B1 gene. It is expected to result in an absent or disrupted protein product. Loss-of-function variants in MAN2B1 are known to be pathogenic (PMID: 9915946, 22161967). For these reasons, this variant has been classified as Pathogenic. This variant has not been reported in the literature in individuals affected with MAN2B1-related conditions. This variant is not present in population databases (gnomAD no frequency).

Literature cited by the submitters: PubMed 9915946 (cited by Labcorp Genetics (formerly Invitae), Labcorp); PubMed 22161967 (cited by Labcorp Genetics (formerly Invitae), Labcorp).